The following is an entry in ClinVar:

ClinVar aggregate classification (germline): Likely benign (1 of 4 stars; one submission).

Allele frequency attached by ClinVar (database versions not stated): 1000 Genomes Project 0.00020; 1000 Genomes Project 30x 0.00031; gnomAD exomes 0.00060; ESP Exome Variant Server 0.00108; gnomAD 0.00077; TOPMed 0.00087; ExAC 0.00097.
gnomAD v4.1: 1,055 of 1,614,160 alleles (0.065%); highest among the groups gnomAD compares: Middle Eastern, 0.13%; 9 homozygotes.

Submission:

CeGaT Center for Human Genetics Tuebingen
Classification: Likely benign. Last evaluated: 2023-02-01. Review status: criteria provided, single submitter. Criteria: CeGaT Center For Human Genetics Tuebingen Variant Classification Criteria Version 2. Collection method: clinical testing. Allele origin: germline. Affected: yes. Observed: 1 variant allele.
Comment: OASL: BP4, BP7

NM_003733.4(OASL):c.420C>T (p.Ile140=)

Gene: OASL (2'-5'-oligoadenylate synthetase like; minus strand). Cytogenetic location: 12q24.31.
Variant type: single nucleotide variant.
Coding change: c.420C>T on transcript NM_003733.4 (MANE Select); coding-DNA position 420, C replaced by T.
Protein change: p.Ile140=; no amino-acid change (isoleucine 140 retained).
Molecular consequence: synonymous variant.
Genome position (GRCh38, 1-based): chr12:121,033,522, G>A on the plus strand (C>T on the coding strand, the complement: OASL is on the minus strand). VCF-style: chr12-121033522-G-A. GRCh37 (hg19) VCF-style: chr12-121471325-G-A.
Other names: c.420C>T, p.Ile140= (NM_001261825.2, NM_001395418.1, NM_001395419.1 and 1 more transcripts).
Identifiers: ClinVar variation 2643403 (VCV002643403.24), dbSNP rs61733224, ClinGen allele CA6832920.